The following is an entry in ClinVar:

NM_052854.4(CREB3L1):c.1546A>G (p.Ile516Val)

Gene: CREB3L1 (cAMP responsive element binding protein 3 like 1; plus strand). Cytogenetic location: 11p11.2.
Variant type: single nucleotide variant.
Coding change: c.1546A>G on transcript NM_052854.4 (MANE Select); coding-DNA position 1546, A replaced by G.
Protein change: p.Ile516Val; replaces isoleucine 516 with valine.
Molecular consequence: missense variant.
Genome position (GRCh38, 1-based): chr11:46,320,732, A>G. VCF-style: chr11-46320732-A-G. GRCh37 (hg19) VCF-style: chr11-46342282-A-G.
Other names: short protein forms I516V.
Identifiers: ClinVar variation 1370942 (VCV001370942.6), dbSNP rs1283587422, ClinGen allele CA380226798.

ClinVar aggregate classification (germline): Uncertain significance (1 of 4 stars; one submission).

Allele frequency attached by ClinVar (database versions not stated): gnomAD exomes below 0.00001.
gnomAD v4.1: 5 of 1,612,280 alleles (0.00031%); highest among the groups gnomAD compares: Non-Finnish European, 0.00025%; 1 homozygote.

Submission:

Labcorp Genetics (formerly Invitae), Labcorp
Classification: Uncertain significance. Last evaluated: 2021-11-27. Review status: criteria provided, single submitter. Criteria: Invitae Variant Classification Sherloc (09022015). Collection method: clinical testing. Allele origin: germline.
Comment: Algorithms developed to predict the effect of missense changes on protein structure and function (SIFT, PolyPhen-2, Align-GVGD) all suggest that this variant is likely to be tolerated. This sequence change replaces isoleucine, which is neutral and non-polar, with valine, which is neutral and non-polar, at codon 516 of the CREB3L1 protein (p.Ile516Val). This variant is not present in population databases (gnomAD no frequency). This variant has not been reported in the literature in individuals affected with CREB3L1-related conditions. In summary, the available evidence is currently insufficient to determine the role of this variant in disease. Therefore, it has been classified as a Variant of Uncertain Significance.